The following is an entry in ClinVar:

ClinVar aggregate classification (germline): Benign. Review status: criteria provided, multiple submitters, no conflicts (2 of 4 stars). 10 submissions from 10 submitters: Benign (7). 3 of the submissions do not count toward it. Last evaluated 2026-02-04.

Conditions:
Hyperammonemia, type III (NAGSD). Also called: Hyperammonemia due to N-acetylglutamate synthase deficiency. Identifiers: Orphanet 927, MedGen C0268543, MONDO:0009377, OMIM 237310.

Allele frequency attached by ClinVar (database versions not stated): ESP Exome Variant Server 0.92270; gnomAD 0.93334 and 0.93696; TOPMed 0.93526; ExAC 0.94322; gnomAD exomes 0.94796 and 0.95258; 1000 Genomes Project 30x 0.95659; 1000 Genomes Project 0.96026.
gnomAD v4.1: 1,489,791 of 1,573,136 alleles (95%); highest among the groups gnomAD compares: East Asian, 100%; 705,760 homozygotes.

Submissions (10):

Labcorp Genetics (formerly Invitae), Labcorp
Classification: Benign for Hyperammonemia, type III. Last evaluated: 2026-02-04. Review status: criteria provided, single submitter. Criteria: Invitae Variant Classification Sherloc (09022015). Collection method: clinical testing. Allele origin: germline.

Mayo Clinic Laboratories, Mayo Clinic
Classification: Benign. Last evaluated: 2021-10-17. Review status: criteria provided, single submitter. Criteria: ACMG Guidelines, 2015. Collection method: clinical testing. Allele origin: germline. Observed: 70 variant alleles.

Genome-Nilou Lab
Classification: Benign for Hyperammonemia, type III. Last evaluated: 2021-07-10. Review status: criteria provided, single submitter. Criteria: ACMG Guidelines, 2015. Collection method: clinical testing. Allele origin: germline. Affected: no.

Illumina Laboratory Services, Illumina
Classification: Benign for Hyperammonemia, type III. Last evaluated: 2018-01-13. Review status: criteria provided, single submitter. Criteria: ICSL Variant Classification Criteria 13 December 2019. Collection method: clinical testing. Allele origin: germline.
Comment: This variant was observed in the ICSL laboratory as part of a predisposition screen in an ostensibly healthy population. It had not been previously curated by ICSL or reported in the Human Gene Mutation Database (HGMD: prior to June 1st, 2018), and was therefore a candidate for classification through an automated scoring system. Utilizing variant allele frequency, disease prevalence and penetrance estimates, and inheritance mode, an automated score was calculated to assess if this variant is too frequent to cause the disease. Based on the score and internal cut-off values, a variant classified as benign is not then subjected to further curation. The score for this variant resulted in a classification of benign for this disease.

GeneDx
Classification: Benign. Last evaluated: 2015-03-03. Review status: criteria provided, single submitter. Criteria: GeneDx Variant Classification Process June 2021. Collection method: clinical testing. Allele origin: germline. Affected: yes.

Breakthrough Genomics
Classification: Benign. Review status: criteria provided, single submitter. Criteria: ACMG Guidelines, 2015. Collection method: not provided. Allele origin: germline. Inheritance: Autosomal recessive inheritance. Affected: yes.

PreventionGenetics, part of Exact Sciences
Classification: Benign. Review status: criteria provided, single submitter. Criteria: ACMG Guidelines, 2015. Collection method: clinical testing. Allele origin: germline.

Natera, Inc.
Classification: Benign for Hyperammonemia type III. Last evaluated: 2019-11-16. Review status: no assertion criteria provided. Collection method: clinical testing. Allele origin: germline. Not counted in ClinVar's aggregate classification.

Clinical Genetics DNA and cytogenetics Diagnostics Lab, Erasmus MC, Erasmus Medical Center
Classification: Benign. Review status: no assertion criteria provided. Collection method: clinical testing. Allele origin: germline. Affected: yes. Study: VKGL Data-share Consensus. Not counted in ClinVar's aggregate classification.

Clinical Genetics, Academic Medical Center
Classification: Benign. Review status: no assertion criteria provided. Collection method: clinical testing. Allele origin: germline. Affected: yes. Study: VKGL Data-share Consensus. Not counted in ClinVar's aggregate classification.

NM_153006.3(NAGS):c.1451+9T>C

Gene: NAGS (N-acetylglutamate synthase; plus strand). Cytogenetic location: 17q21.31.
Variant type: single nucleotide variant.
Coding change: c.1451+9T>C on transcript NM_153006.3 (MANE Select); 9 bases into the intron after coding-DNA position 1451, T replaced by C.
Molecular consequence: intron variant.
Genome position (GRCh38, 1-based): chr17:44,007,782, T>C. VCF-style: chr17-44007782-T-C. GRCh37 (hg19) VCF-style: chr17-42085150-T-C.
Other names: p.?.
Identifiers: ClinVar variation 262688 (VCV000262688.27), dbSNP rs228773, ClinGen allele CA8595414.
Genomic context (GRCh38, chr17:44,007,782, plus strand): 5'-ACCTTCAGACACTTTTCTGGCGCTCCCGGGTCACCAACCCCATCAATCCCTGGTAGGTCC[T>C]GCCACTCCCAGCTCTGGGCTGGGCCCTGACTTCCCTCCCCTCTCCCACCCTTGCCAACCA-3'